The following is an entry in ClinVar:

ClinVar aggregate classification (germline): Uncertain significance (1 of 4 stars; one submission).

Conditions:
Juvenile polyposis syndrome (JPS). Identifiers: Orphanet 2929, MedGen C0345893, MONDO:0017380, OMIM 174900.

Submission:

Labcorp Genetics (formerly Invitae), Labcorp
Classification: Uncertain significance for Juvenile polyposis syndrome. Last evaluated: 2025-04-17. Review status: criteria provided, single submitter. Criteria: Invitae Variant Classification Sherloc (09022015). Collection method: clinical testing. Allele origin: germline.
Comment: This sequence change replaces glutamic acid, which is acidic and polar, with aspartic acid, which is acidic and polar, at codon 49 of the SMAD4 protein (p.Glu49Asp). This variant is not present in population databases (gnomAD no frequency). This variant has not been reported in the literature in individuals affected with SMAD4-related conditions. ClinVar contains an entry for this variant (Variation ID: 952240). Invitae Evidence Modeling of protein sequence and biophysical properties (such as structural, functional, and spatial information, amino acid conservation, physicochemical variation, residue mobility, and thermodynamic stability) indicates that this missense variant is not expected to disrupt SMAD4 protein function with a negative predictive value of 95%. In summary, the available evidence is currently insufficient to determine the role of this variant in disease. Therefore, it has been classified as a Variant of Uncertain Significance.

NM_005359.6(SMAD4):c.147G>C (p.Glu49Asp)

Gene: SMAD4 (SMAD family member 4; plus strand). Cytogenetic location: 18q21.2.
Variant type: single nucleotide variant.
Coding change: c.147G>C on transcript NM_005359.6 (MANE Select); coding-DNA position 147, G replaced by C.
Protein change: p.Glu49Asp; replaces glutamic acid 49 with aspartic acid.
Molecular consequence: missense variant.
Genome position (GRCh38, 1-based): chr18:51,047,193, G>C. VCF-style: chr18-51047193-G-C. GRCh37 (hg19) VCF-style: chr18-48573563-G-C.
Other names: short protein forms E49D.
Identifiers: ClinVar variation 952240 (VCV000952240.9), dbSNP rs1555685024, ClinGen allele CA402457847.